The following is an entry in ClinVar:

NM_003060.4(SLC22A5):c.619C>T (p.Gln207Ter)

Gene: SLC22A5 (solute carrier family 22 member 5; plus strand). Cytogenetic location: 5q31.1.
Variant type: single nucleotide variant.
Coding change: c.619C>T on transcript NM_003060.4 (MANE Select); coding-DNA position 619, C replaced by T.
Protein change: p.Gln207Ter; replaces glutamine 207 with a stop codon.
Molecular consequence: nonsense.
Genome position (GRCh38, 1-based): chr5:132,384,268, C>T. VCF-style: chr5-132384268-C-T. GRCh37 (hg19) VCF-style: chr5-131719960-C-T.
Other names: c.691C>T, p.Gln231Ter (NM_001308122.2); short protein forms Q207*, Q231*.
Identifiers: ClinVar variation 4815092 (VCV004815092.1).

ClinVar aggregate classification (germline): Likely pathogenic (1 of 4 stars; one submission).

Conditions:
Carnitine deficiency. Identifiers: MedGen C1142132.

Submission:

Natera, Inc.
Classification: Likely pathogenic for Carnitine deficiency. Last evaluated: 2024-07-16. Review status: criteria provided, single submitter. Criteria: Natera Variant Classification Schema (03/2026). Collection method: clinical testing. Allele origin: germline.
Comment: The c.619C>T variant in SLC22A5 is a nonsense variant predicted to introduce a stop codon at amino acid 207. This variant is expected to result in nonsense mediated decay, truncation, or a dysfunctional protein product. This variant is rare in the general population with a frequency below the threshold expected for the associated phenotype(s). Given the available evidence, this variant is classified as Likely Pathogenic.